The following is an entry in ClinVar:

NM_001146079.2(CLDN14):c.681G>A (p.Ser227=)

Genes: CLDN14 (claudin 14; minus strand), CLDN14-AS1 (CLDN14 antisense RNA 1; plus strand). Cytogenetic location: 21q22.13.
Variant type: single nucleotide variant.
Coding change: c.681G>A on transcript NM_001146079.2 (MANE Select); coding-DNA position 681, G replaced by A.
Protein change: p.Ser227=; no amino-acid change (serine 227 retained).
Molecular consequence: synonymous variant.
Genome position (GRCh38, 1-based): chr21:36,461,015, C>T on the plus strand (G>A on the coding strand, the complement: CLDN14 is on the minus strand). VCF-style: chr21-36461015-C-T. GRCh37 (hg19) VCF-style: chr21-37833313-C-T.
Other names: c.681G>A, p.Ser227= (NM_001146077.2, NM_001146078.3, NM_012130.4 and 1 more transcripts).
Identifiers: ClinVar variation 896237 (VCV000896237.36), dbSNP rs763085148, ClinGen allele CA10019200.

ClinVar aggregate classification (germline): Conflicting classifications of pathogenicity. Review status: criteria provided, conflicting classifications (1 of 4 stars). 3 submissions from 3 submitters: Uncertain significance (1); Likely benign (2). Last evaluated 2023-02-01.

Conditions:
Autosomal recessive nonsyndromic hearing loss 29. Identifiers: Orphanet 90636, MedGen C3279660, MONDO:0013537, OMIM 614035.

Allele frequency attached by ClinVar (database versions not stated): gnomAD 0.00001; gnomAD exomes 0.00001 and 0.00003; ExAC 0.00002; TOPMed 0.00002.
gnomAD v4.1: 22 of 1,613,236 alleles (0.0014%); highest among the groups gnomAD compares: East Asian, 0.0067%; no homozygotes.

Submissions (3):

CeGaT Center for Human Genetics Tuebingen
Classification: Likely benign. Last evaluated: 2023-02-01. Review status: criteria provided, single submitter. Criteria: CeGaT Center For Human Genetics Tuebingen Variant Classification Criteria Version 2. Collection method: clinical testing. Allele origin: germline. Affected: yes. Observed: 1 variant allele.
Comment: CLDN14: BP4, BP7

Labcorp Genetics (formerly Invitae), Labcorp
Classification: Likely benign. Last evaluated: 2022-05-16. Review status: criteria provided, single submitter. Criteria: Invitae Variant Classification Sherloc (09022015). Collection method: clinical testing. Allele origin: germline.

Illumina Laboratory Services, Illumina
Classification: Uncertain significance for Autosomal recessive nonsyndromic hearing loss 29. Last evaluated: 2018-01-13. Review status: criteria provided, single submitter. Criteria: ICSL Variant Classification Criteria 13 December 2019. Collection method: clinical testing. Allele origin: germline.